The following is an entry in ClinVar:

NM_000059.4(BRCA2):c.2430_2437del (p.Lys811fs)

Gene: BRCA2 (BRCA2 DNA repair associated; plus strand). Cytogenetic location: 13q13.1.
Variant type: Deletion.
Coding change: c.2430_2437del on transcript NM_000059.4 (MANE Select); coding-DNA positions 2430 to 2437, 8 bases deleted (CAAAAATA; older notation c.2430_2437delCAAAAATA).
Protein change: p.Lys811fs; shifts the reading frame from lysine 811.
Molecular consequence: frameshift variant.
Genome position (GRCh38, 1-based): chr13:32,336,785-32,336,792, CAAAAATA deleted. VCF-style (leftmost placement, unchanged base first): chr13-32336784-CCAAAAATA-C. GRCh37 (hg19) VCF-style: chr13-32910921-CCAAAAATA-C.
Other names: 2665del8; short protein forms K811fs.
Identifiers: ClinVar variation 266698 (VCV000266698.5), dbSNP rs886040425, ClinGen allele CA10589154.

ClinVar aggregate classification (germline): Pathogenic. Review status: reviewed by expert panel (3 of 4 stars). 2 submissions from 2 submitters: Pathogenic (1). 1 of the submissions does not count toward it. Last evaluated 2016-10-18.

Conditions:
Breast-ovarian cancer, familial, susceptibility to, 2 (BROVCA2). Also called: BRCA2 Hereditary Breast and Ovarian Cancer. Identifiers: Orphanet 145, MedGen C2675520, MONDO:0012933, OMIM 612555. Disease mechanism: loss of function.

Submissions (2):

Evidence-based Network for the Interpretation of Germline Mutant Alleles (ENIGMA)
Classification: Pathogenic for Breast-ovarian cancer, familial, susceptibility to, 2. Last evaluated: 2016-10-18. Review status: reviewed by expert panel. Criteria: ENIGMA BRCA1/2 Classification Criteria (2015). Collection method: curation. Allele origin: germline.
Comment: Variant allele predicted to encode a truncated non-functional protein.

Consortium of Investigators of Modifiers of BRCA1/2 (CIMBA), c/o University of Cambridge
Classification: Pathogenic for Breast-ovarian cancer, familial, susceptibility to, 2. Last evaluated: 2015-10-02. Review status: criteria provided, single submitter. Criteria: CIMBA Mutation Classification guidelines May 2016. Collection method: clinical testing. Allele origin: germline. Not counted in ClinVar's aggregate classification.